The following is an entry in ClinVar:

ClinVar aggregate classification (germline): Uncertain significance (1 of 4 stars; one submission).

Conditions:
Hereditary cancer-predisposing syndrome. Also called: Neoplastic Syndromes, Hereditary; Tumor predisposition; Hereditary neoplastic syndrome; Hereditary Cancer Syndrome. Identifiers: Orphanet 140162, MedGen C0027672, MeSH D009386, MONDO:0015356.

Submission:

Ambry Genetics
Classification: Uncertain significance for Hereditary cancer-predisposing syndrome. Last evaluated: 2024-04-28. Review status: criteria provided, single submitter. Criteria: Ambry Variant Classification Scheme 2023. Collection method: clinical testing. Allele origin: germline.
Comment: The p.D561E variant (also known as c.1683T>G), located in coding exon 11 of the RAD50 gene, results from a T to G substitution at nucleotide position 1683. The aspartic acid at codon 561 is replaced by glutamic acid, an amino acid with highly similar properties. This amino acid position is conserved. In addition, this alteration is predicted to be tolerated by in silico analysis. Based on the available evidence, the clinical significance of this variant remains unclear.

NM_005732.4(RAD50):c.1683T>G (p.Asp561Glu)

Gene: RAD50 (RAD50 double strand break repair protein; plus strand). Cytogenetic location: 5q31.1.
Variant type: single nucleotide variant.
Coding change: c.1683T>G on transcript NM_005732.4 (MANE Select); coding-DNA position 1683, T replaced by G.
Protein change: p.Asp561Glu; replaces aspartic acid 561 with glutamic acid.
Molecular consequence: missense variant.
Genome position (GRCh38, 1-based): chr5:132,591,924, T>G. VCF-style: chr5-132591924-T-G. GRCh37 (hg19) VCF-style: chr5-131927616-T-G.
Other names: short protein forms D561E.
Identifiers: ClinVar variation 3312320 (VCV003312320.1).